The following is an entry in ClinVar:

ClinVar aggregate classification (germline): Likely benign (0 of 4 stars; one submission).

Conditions:
SPATA13-related disorder. Also called: SPATA13-related condition.

Allele frequency attached by ClinVar (database versions not stated): gnomAD exomes 0.00011; ExAC 0.00039; 1000 Genomes Project 0.00120; 1000 Genomes Project 30x 0.00141; gnomAD 0.00147; TOPMed 0.00153; ESP Exome Variant Server 0.00169.
gnomAD v4.1: 393 of 1,589,970 alleles (0.025%); highest among the groups gnomAD compares: African/African-American, 0.46%; 2 homozygotes.

Submission:

PreventionGenetics, part of Exact Sciences
Classification: Likely benign for SPATA13-related condition. Last evaluated: 2019-04-01. Review status: no assertion criteria provided. Collection method: clinical testing. Allele origin: germline.
Comment: This variant is classified as likely benign based on ACMG/AMP sequence variant interpretation guidelines (Richards et al. 2015 PMID: 25741868, with internal and published modifications).

NM_001166271.3(SPATA13):c.3087C>T (p.Tyr1029=)

Gene: SPATA13 (spermatogenesis associated 13; plus strand). Cytogenetic location: 13q12.12.
Variant type: single nucleotide variant.
Coding change: c.3087C>T on transcript NM_001166271.3 (MANE Select); coding-DNA position 3087, C replaced by T.
Protein change: p.Tyr1029=; no amino-acid change (tyrosine 1029 retained).
Molecular consequence: synonymous variant.
Genome position (GRCh38, 1-based): chr13:24,294,745, C>T. VCF-style: chr13-24294745-C-T. GRCh37 (hg19) VCF-style: chr13-24868883-C-T.
Other names: c.3273C>T, p.Tyr1091= (NM_001286792.2); c.792C>T, p.Tyr264= (NM_001286793.2); c.1044C>T, p.Tyr348= (NM_001286794.2); c.978C>T, p.Tyr326= (NM_001286795.2); c.1212C>T, p.Tyr404= (NM_153023.4).
Identifiers: ClinVar variation 3045056 (VCV003045056.2), dbSNP rs149233311, ClinGen allele CA6914423.